The following is an entry in ClinVar:

ClinVar aggregate classification (germline): Likely benign. Review status: criteria provided, multiple submitters, no conflicts (2 of 4 stars). 3 submissions from 3 submitters: Likely benign (2). 1 of the submissions does not count toward it. Last evaluated 2026-01-01.

Conditions:
MAPK8IP3-related disorder. Also called: MAPK8IP3-related condition.

Submissions (3):

CeGaT Center for Human Genetics Tuebingen
Classification: Likely benign. Last evaluated: 2026-01-01. Review status: criteria provided, single submitter. Criteria: CeGaT Center For Human Genetics Tuebingen Variant Classification Criteria Version 2. Collection method: clinical testing. Allele origin: germline. Affected: yes. Observed: 4 variant alleles.
Comment: MAPK8IP3: PP3, BS1

Blueprint Genetics
Classification: Likely benign. Last evaluated: 2024-11-21. Review status: criteria provided, single submitter. Criteria: ACMG Guidelines, 2015. Collection method: clinical testing. Allele origin: germline.

PreventionGenetics, part of Exact Sciences
Classification: Likely benign for MAPK8IP3-related condition. Last evaluated: 2019-11-08. Review status: no assertion criteria provided. Collection method: clinical testing. Allele origin: germline. Not counted in ClinVar's aggregate classification.
Comment: This variant is classified as likely benign based on ACMG/AMP sequence variant interpretation guidelines (Richards et al. 2015 PMID: 25741868, with internal and published modifications).

NM_001318852.2(MAPK8IP3):c.602+7_602+56del

Gene: MAPK8IP3 (mitogen-activated protein kinase 8 interacting protein 3; plus strand). Cytogenetic location: 16p13.3.
Variant type: Deletion.
Coding change: c.602+7_602+56del on transcript NM_001318852.2 (MANE Select); bases 7 to 56 of the intron after coding-DNA position 602, 50 bases deleted.
Molecular consequence: splice donor variant.
Genome position (GRCh38, 1-based): chr16:1,729,585-1,729,634, 50 bases deleted; deleting any 50 consecutive bases within chr16:1,729,569-1,729,634 gives the same sequence; the c. name uses the placement nearest the transcript's 3' end. GRCh37 (hg19): chr16:1,779,586-1,779,635.
Other names: c.602+7_602+56del (NM_015133.5, NM_001040439.2); c.602+7_602+56del50 (NM_001318852.1).
Identifiers: ClinVar variation 2645908 (VCV002645908.25), dbSNP rs759514260, ClinGen allele CA7816380.